The following is an entry in ClinVar:

NM_182961.4(SYNE1):c.1228C>G (p.Pro410Ala)

Gene: SYNE1 (spectrin repeat containing nuclear envelope protein 1; minus strand). Cytogenetic location: 6q25.2.
Variant type: single nucleotide variant.
Coding change: c.1228C>G on transcript NM_182961.4 (MANE Select); coding-DNA position 1228, C replaced by G.
Protein change: p.Pro410Ala; replaces proline 410 with alanine.
Molecular consequence: missense variant.
Genome position (GRCh38, 1-based): chr6:152,483,207, G>C on the plus strand (C>G on the coding strand, the complement: SYNE1 is on the minus strand). VCF-style: chr6-152483207-G-C. GRCh37 (hg19) VCF-style: chr6-152804342-G-C.
Other names: c.1249C>G, p.Pro417Ala (NM_033071.5); short protein forms P410A, P417A.
Identifiers: ClinVar variation 1466322 (VCV001466322.5), dbSNP rs770374751, ClinGen allele CA4059482.

ClinVar aggregate classification (germline): Uncertain significance (1 of 4 stars; one submission).

Conditions:
Autosomal recessive ataxia, Beauce type. Also called: SYNE1-Related Autosomal Recessive Cerebellar Ataxia; Spinocerebellar ataxia, autosomal recessive 8; ATAXIA, RECESSIVE, OF BEAUCE; SYNE1 Deficiency. Identifiers: Orphanet 88644, MedGen C1853116, MONDO:0012549, OMIM 610743.
Emery-Dreifuss muscular dystrophy 4, autosomal dominant (EDMD4). Also called: EMERY-DREIFUSS MUSCULAR DYSTROPHY 4 WITH VARIABLE FEATURES. Identifiers: Orphanet 261, MedGen C2751807, MONDO:0013071, OMIM 612998.

Allele frequency attached by ClinVar (database versions not stated): gnomAD exomes 0.00001; ExAC 0.00002.
gnomAD v4.1: 3 of 1,614,198 alleles (0.00019%); highest among the groups gnomAD compares: Admixed American, 0.0033%; no homozygotes.

Submission:

Labcorp Genetics (formerly Invitae), Labcorp
Classification: Uncertain significance for Emery-Dreifuss muscular dystrophy 4, autosomal dominant; Autosomal recessive ataxia, Beauce type. Last evaluated: 2022-06-20. Review status: criteria provided, single submitter. Criteria: Invitae Variant Classification Sherloc (09022015). Collection method: clinical testing. Allele origin: germline.
Comment: This sequence change replaces proline, which is neutral and non-polar, with alanine, which is neutral and non-polar, at codon 417 of the SYNE1 protein (p.Pro417Ala). This variant is present in population databases (rs770374751, gnomAD 0.006%). This variant has not been reported in the literature in individuals affected with SYNE1-related conditions. Algorithms developed to predict the effect of missense changes on protein structure and function are either unavailable or do not agree on the potential impact of this missense change (SIFT: "Deleterious"; PolyPhen-2: "Probably Damaging"; Align-GVGD: "Class C0"). Algorithms developed to predict the effect of sequence changes on RNA splicing suggest that this variant may disrupt the consensus splice site. In summary, the available evidence is currently insufficient to determine the role of this variant in disease. Therefore, it has been classified as a Variant of Uncertain Significance.